The following is an entry in ClinVar:

ClinVar aggregate classification (germline): Likely benign (1 of 4 stars; one submission).

Submission:

GeneDx
Classification: Likely benign. Last evaluated: 2024-02-21. Review status: criteria provided, single submitter. Criteria: GeneDx Variant Classification Process June 2021. Collection method: clinical testing. Allele origin: germline. Affected: yes.
Comment: See Variant Classification Assertion Criteria.

NM_000501.4(ELN):c.746-3dup

Gene: ELN (elastin; plus strand). Cytogenetic location: 7q11.23.
Variant type: Duplication.
Coding change: c.746-3dup on transcript NM_000501.4 (MANE Select); 3 bases into the intron before coding-DNA position 746, one base duplicated (C; older notation c.746-3dupC).
Molecular consequence: intron variant.
Genome position (GRCh38, 1-based): chr7:74,048,500, C duplicated; the last of 5 consecutive C bases (chr7:74,048,496-74,048,500); duplicating any one gives the same sequence. VCF-style (leftmost placement, unchanged base first): chr7-74048495-T-TC. GRCh37 (hg19) VCF-style: chr7-73462825-T-TC.
Other names: c.746-3dup (NM_001278912.2, NM_001081755.3, NM_001278939.2 and 1 more transcripts); c.704-3dup (NM_001278916.2); c.638-3dup (NM_001278913.2); c.731-3dup (NM_001278914.2); c.716-3dup (NM_001278917.2, NM_001081752.3); c.761-3dup (NM_001081754.3, NM_001081753.3); c.614-3dup (NM_001278918.2).
Identifiers: ClinVar variation 3340839 (VCV003340839.1).